The following is an entry in ClinVar:

ClinVar aggregate classification (germline): Uncertain significance (1 of 4 stars; one submission).

gnomAD v4.1: 1 of 1,612,582 alleles (0.000062%); highest among the groups gnomAD compares: Non-Finnish European, 0.000085%; no homozygotes.

Submission:

CeGaT Center for Human Genetics Tuebingen
Classification: Uncertain significance. Last evaluated: 2026-03-01. Review status: criteria provided, single submitter. Criteria: CeGaT Center For Human Genetics Tuebingen Variant Classification Criteria Version 2. Collection method: clinical testing. Allele origin: germline. Affected: yes. Observed: 1 variant allele.
Comment: ZFHX4: PM2, PP3

NM_024721.5(ZFHX4):c.7958T>C (p.Phe2653Ser)

Gene: ZFHX4 (zinc finger homeobox 4; plus strand). Cytogenetic location: 8q21.13.
Variant type: single nucleotide variant.
Coding change: c.7958T>C on transcript NM_024721.5 (MANE Select); coding-DNA position 7958, T replaced by C.
Protein change: p.Phe2653Ser; replaces phenylalanine 2653 with serine.
Molecular consequence: missense variant.
Genome position (GRCh38, 1-based): chr8:76,854,879, T>C. VCF-style: chr8-76854879-T-C. GRCh37 (hg19) VCF-style: chr8-77767115-T-C.
Other names: c.7880T>C, p.Phe2627Ser (NM_001410934.1); short protein forms F2627S, F2653S.
Identifiers: ClinVar variation 4823673 (VCV004823673.4).